The following is an entry in ClinVar:

ClinVar aggregate classification (germline): Conflicting classifications of pathogenicity. Review status: criteria provided, conflicting classifications (1 of 4 stars). 2 submissions from 2 submitters: Uncertain significance (1); Benign (1). Last evaluated 2023-10-13.

Conditions:
Mowat-Wilson syndrome (MOWS). Also called: Classic Mowat-Wilson Syndrome. Identifiers: Orphanet 2152, MedGen C1856113, MONDO:0009341, OMIM 235730.
ZEB2-related disorder. Also called: ZEB2-related condition.

Submissions (2):

Labcorp Genetics (formerly Invitae), Labcorp
Classification: Benign for Mowat-Wilson syndrome. Last evaluated: 2023-10-13. Review status: criteria provided, single submitter. Criteria: Invitae Variant Classification Sherloc (09022015). Collection method: clinical testing. Allele origin: germline.

PreventionGenetics, part of Exact Sciences
Classification: Uncertain significance for ZEB2-related condition. Last evaluated: 2023-08-03. Review status: criteria provided, single submitter. Criteria: ACMG Guidelines, 2015. Collection method: clinical testing. Allele origin: germline.
Comment: The ZEB2 c.1447A>G variant is predicted to result in the amino acid substitution p.Ile483Val. To our knowledge, this variant has not been reported in the literature or in a large population database, indicating this variant is rare. At this time, the clinical significance of this variant is uncertain due to the absence of conclusive functional and genetic evidence.

NM_014795.4(ZEB2):c.1447A>G (p.Ile483Val)

Gene: ZEB2 (zinc finger E-box binding homeobox 2; minus strand). Cytogenetic location: 2q22.3.
Variant type: single nucleotide variant.
Coding change: c.1447A>G on transcript NM_014795.4 (MANE Select); coding-DNA position 1447, A replaced by G.
Protein change: p.Ile483Val; replaces isoleucine 483 with valine.
Molecular consequence: missense variant.
Genome position (GRCh38, 1-based): chr2:144,399,740, T>C on the plus strand (A>G on the coding strand, the complement: ZEB2 is on the minus strand). VCF-style: chr2-144399740-T-C. GRCh37 (hg19) VCF-style: chr2-145157307-T-C.
Other names: c.1375A>G, p.Ile459Val (NM_001171653.2); short protein forms I459V, I483V.
Identifiers: ClinVar variation 2631406 (VCV002631406.4), dbSNP rs2549106815, ClinGen allele CA348711370.